The following is an entry in ClinVar:

NM_017827.4(SARS2):c.929A>G (p.Asp310Gly)

Gene: SARS2 (seryl-tRNA synthetase 2, mitochondrial; minus strand). Cytogenetic location: 19q13.2.
Variant type: single nucleotide variant.
Coding change: c.929A>G on transcript NM_017827.4 (MANE Select); coding-DNA position 929, A replaced by G.
Protein change: p.Asp310Gly; replaces aspartic acid 310 with glycine.
Molecular consequence: missense variant.
Genome position (GRCh38, 1-based): chr19:38,918,127, T>C on the plus strand (A>G on the coding strand, the complement: SARS2 is on the minus strand). VCF-style: chr19-38918127-T-C. GRCh37 (hg19) VCF-style: chr19-39408767-T-C.
Other names: c.935A>G, p.Asp312Gly (NM_001145901.2); short protein forms D310G, D312G.
Identifiers: ClinVar variation 1723541 (VCV001723541.2), dbSNP rs1359397162, ClinGen allele CA405736554.
Genomic context (GRCh38, chr19:38,918,127, plus strand): 5'-TCAAGGTCTAAGGAAACCAGGTGTCACCTGACTGGCAGGTCCCTGAAGGCCACGGTGTGG[T>C]CCATGAAGTAGCCTGGGAGGAGAGACCACAGGGTGAGCCAGGGCTGCCAGTGCCCAGAGG-3'
Protein context (NP_060297.1, residues 300-320): AEVGLAGYFM[Asp310Gly]HTVAFRDLPV

ClinVar aggregate classification (germline): Uncertain significance (1 of 4 stars; one submission).

Allele frequency attached by ClinVar (database versions not stated): gnomAD 0.00006.
gnomAD v4.1: 10 of 1,598,660 alleles (0.00063%); highest among the groups gnomAD compares: Non-Finnish European, 0.00085%; no homozygotes.

Submission:

GeneDx
Classification: Uncertain significance. Last evaluated: 2022-05-09. Review status: criteria provided, single submitter. Criteria: GeneDx Variant Classification Process June 2021. Collection method: clinical testing. Allele origin: germline. Affected: yes.
Comment: In silico analysis supports that this missense variant has a deleterious effect on protein structure/function; Has not been previously published as pathogenic or benign to our knowledge